The following is an entry in ClinVar:

ClinVar aggregate classification (germline): Conflicting classifications of pathogenicity. Review status: criteria provided, conflicting classifications (1 of 4 stars). 13 submissions from 13 submitters: Likely pathogenic (1); Uncertain significance (8); Benign (1); Likely benign (3). Last evaluated 2026-05-01.

Conditions:
PRX-related disorder. Also called: PRX-related condition; PRX-Related Disorders.
Inborn genetic diseases. Identifiers: MedGen C0950123, MeSH D030342.
Charcot-Marie-Tooth disease. Also called: Charcot-Marie-Tooth Neuropathy; Charcot-Marie-Tooth Hereditary Neuropathy. Identifiers: Orphanet 166, MedGen C0007959, MONDO:0015626.
Charcot-Marie-Tooth disease type 4F. Also called: Charcot-Marie-Tooth disease, demyelinating, type 4F. Identifiers: Orphanet 99952, MedGen C3540453, MONDO:0013959, OMIM 614895.
Tip-toe gait. Also called: Toe walking. Identifiers: MedGen C0427144, HP:0030051.
Charcot-Marie-Tooth disease type 4. Also called: Charcot-Marie-Tooth, Type 4; Charcot-Marie-Tooth disease, type IV. Identifiers: Orphanet 64749, MedGen C4082197, MONDO:0018995.

Allele frequency attached by ClinVar (database versions not stated): ESP Exome Variant Server 0.00092; 1000 Genomes Project 30x 0.00094; 1000 Genomes Project 0.00100; gnomAD exomes 0.00100 and 0.00169; gnomAD 0.00101 and 0.00105; ExAC 0.00106; TOPMed 0.00116.
gnomAD v4.1: 2,611 of 1,614,204 alleles (0.16%); highest among the groups gnomAD compares: Non-Finnish European, 0.2%; 2 homozygotes.

Submissions (13):

CeGaT Center for Human Genetics Tuebingen
Classification: Likely benign. Last evaluated: 2026-05-01. Review status: criteria provided, single submitter. Criteria: CeGaT Center For Human Genetics Tuebingen Variant Classification Criteria Version 2. Collection method: clinical testing. Allele origin: germline. Affected: yes. Observed: 4 variant alleles.
Comment: PRX: BP4

Mayo Clinic Laboratories, Mayo Clinic
Classification: Likely benign. Last evaluated: 2025-10-22. Review status: criteria provided, single submitter. Criteria: ACMG Guidelines, 2015. Collection method: clinical testing. Allele origin: germline. Observed: 9 variant alleles.
Comment: BS1, BP4

GeneDx
Classification: Uncertain significance. Last evaluated: 2025-09-23. Review status: criteria provided, single submitter. Criteria: GeneDx Variant Classification Process June 2021. Collection method: clinical testing. Allele origin: germline. Affected: yes.
Comment: Identified in the heterozygous state in an individual with a mild clinical form of CMT4F (PMID: 31523542); Identified in an individual receiving paclitaxel treatment who was reported to have low or no neuropathy (PMID: 27582484); In silico analysis supports that this missense variant has a deleterious effect on protein structure/function; This variant is associated with the following publications: (PMID: 32085570, 32376792, 35509735, 37091313, 27582484, 31523542)

Women's Health and Genetics/Laboratory Corporation of America, LabCorp
Classification: Uncertain significance. Last evaluated: 2025-08-12. Review status: criteria provided, single submitter. Criteria: LabCorp Variant Classification Summary - May 2015. Collection method: clinical testing. Allele origin: germline.
Comment: Variant summary: PRX c.3186G>T (p.Lys1062Asn) results in a non-conservative amino acid change in the encoded protein sequence. Algorithms developed to predict the effect of missense changes on protein structure and function are either unavailable or do not agree on the potential impact of this missense change. The variant allele was found at a frequency of 0.001 in 251366 control chromosomes. This frequency is not significantly higher than estimated for a pathogenic variant in PRX causing PRX-Related Disorders, allowing no conclusion about variant significance. c.3186G>T has been observed in individuals affected with PRX-Related Disorders (Datta_C2019, Malatesta_2020, Volodarsky_2021). These reports do not provide unequivocal conclusions about association of the variant with PRX-Related Disorders. To our knowledge, no experimental evidence demonstrating an impact on protein function has been reported. The following publications have been ascertained in the context of this evaluation (PMID: 31523542, 32376792, 32453099). ClinVar contains an entry for this variant (Variation ID: 245910). Based on the evidence outlined above, the variant was classified as uncertain significance.

PreventionGenetics, part of Exact Sciences
Classification: Likely benign for PRX-related condition. Last evaluated: 2025-06-11. Review status: criteria provided, single submitter. Criteria: ACMG Guidelines, 2015. Collection method: clinical testing. Allele origin: germline.
Comment: This variant is classified as likely benign based on ACMG/AMP sequence variant interpretation guidelines (Richards et al. 2015 PMID: 25741868, with internal and published modifications).

Blueprint Genetics
Classification: Uncertain significance. Last evaluated: 2024-10-09. Review status: criteria provided, single submitter. Criteria: ACMG Guidelines, 2015. Collection method: clinical testing. Allele origin: germline.

ARUP Laboratories, Molecular Genetics and Genomics, ARUP Laboratories
Classification: Uncertain significance. Last evaluated: 2024-08-13. Review status: criteria provided, single submitter. Criteria: ARUP Molecular Germline Variant Investigation Process 2024. Collection method: clinical testing. Allele origin: germline.
Comment: The PRX c.3186G>T; p.Lys1062Asn variant (rs139188673; ClinVar ID: 245910) is reported in the literature in several individuals with suspected CMT (Datta 2019, Volodarsky 2021). This variant is also reported in ClinVar (Variation ID: 245910). This variant is found in the non-Finnish European population with an allele frequency of 0.16% (204/129,096 alleles) in the Genome Aggregation Database. Computational analyses predict that this variant is neutral (REVEL: 0.101). While the high population frequency suggests that this is likely a benign variant, given the lack of clinical and functional data, the significance of this variant is uncertain at this time. References: Datta S et al. A Case Report on Charcot-Marie-Tooth Disease with a Novel Periaxin Gene Mutation. Cureus. 2019 Jul 9;11(7):e5111. PMID: 31523542. Volodarsky M et al. Comprehensive genetic sequence and copy number analysis for Charcot-Marie-Tooth disease in a Canadian cohort of 2517 patients. J Med Genet. 2021 Apr;58(4):284-288. PMID: 32376792.

Athena Diagnostics
Classification: Benign. Last evaluated: 2024-06-27. Review status: criteria provided, single submitter. Criteria: Athena Diagnostics Criteria. Collection method: clinical testing. Allele origin: unknown.

Labcorp Genetics (formerly Invitae), Labcorp
Classification: Uncertain significance for Charcot-Marie-Tooth disease type 4. Last evaluated: 2022-10-17. Review status: criteria provided, single submitter. Criteria: Invitae Variant Classification Sherloc (09022015). Collection method: clinical testing. Allele origin: germline.
Comment: This sequence change replaces lysine, which is basic and polar, with asparagine, which is neutral and polar, at codon 1062 of the PRX protein (p.Lys1062Asn). This variant is present in population databases (rs139188673, gnomAD 0.2%), and has an allele count higher than expected for a pathogenic variant. This missense change has been observed in individual(s) with clinical features of PRX-related conditions (PMID: 31523542, 32376792). ClinVar contains an entry for this variant (Variation ID: 245910). Advanced modeling of protein sequence and biophysical properties (such as structural, functional, and spatial information, amino acid conservation, physicochemical variation, residue mobility, and thermodynamic stability) performed at Invitae indicates that this missense variant is not expected to disrupt PRX protein function. In summary, the available evidence is currently insufficient to determine the role of this variant in disease. Therefore, it has been classified as a Variant of Uncertain Significance.

Practice for Gait Abnormalities, David Pomarino, Competency Network Toe Walking C/o Practice Pomarino
Classification: Likely pathogenic for Tip-toe gait. Last evaluated: 2022-01-14. Review status: criteria provided, single submitter. Criteria: ACMG Guidelines, 2015. Collection method: clinical testing. Allele origin: maternal, unknown. Affected: yes.
Comment: They both had this variant ( Lys1062Asn in PRX) . Hereditary motor sensory neuropathy (HMSN), also known as Charcot-Marie-Tooth Disease (CMT), is the most commonly inherited peripheral polyneuropathy. It constitutes a group of inherited, progressive, motor and sensory peripheral nerve disorders with properties of demyelination, axonal degeneration, or both. It is classified by clinical characteristics, modes of inheritance, electrophysiologic features, metabolic defects, and specific gene markers. Our patients all walk on tiptoe, so they show similar symptoms. When we genetically test them with our toe walking panel, we find that around 90 per cent of them have a genetic variant that explains their toe walking. These can be assigned, for example, to the area of myopathies (such as variants of the COL6A3 gene), the area of hereditary neuropathies (such as variants of the KMT2C gene) or the area of metabolic diseases (such as variants of the PYGM gene). In a smaller group of patients with almost identical symptoms, no abnormality is found in the genes of our panel, but spastic paraplegia can be detected. In another small group of our toe walkers, no abnormalities can be detected in the genes analysed in our toe walking panel, nor do they suffer from spastic paraplegia, as is also the case with healthy children. In contrast to these, however, they show a tiptoe gait. These patients suffer from infantile cerebral palsy, in which toe walking can also be observed.

Ambry Genetics
Classification: Uncertain significance for Inborn genetic diseases. Last evaluated: 2021-10-11. Review status: criteria provided, single submitter. Criteria: Ambry Variant Classification Scheme 2023. Collection method: clinical testing. Allele origin: germline.
Comment: The p.K1062N variant (also known as c.3186G>T), located in coding exon 4 of the PRX gene, results from a G to T substitution at nucleotide position 3186. The lysine at codon 1062 is replaced by asparagine, an amino acid with similar properties. This amino acid position is well conserved in available vertebrate species. In addition, this alteration is predicted to be tolerated by in silico analysis. Since supporting evidence is limited at this time, the clinical significance of this alteration remains unclear.

Illumina Laboratory Services, Illumina
Classification: Uncertain significance for Charcot-Marie-Tooth disease type 4F. Last evaluated: 2018-01-13. Review status: criteria provided, single submitter. Criteria: ICSL Variant Classification Criteria 13 December 2019. Collection method: clinical testing. Allele origin: germline.

Molecular Genetics Laboratory, London Health Sciences Centre
Classification: Uncertain significance for Charcot-Marie-Tooth disease. Review status: criteria provided, single submitter. Criteria: ACMG Guidelines, 2015. Collection method: clinical testing. Allele origin: germline. Affected: yes.

Literature cited by the submitters: PubMed 2758284 (cited by Mayo Clinic Laboratories, Mayo Clinic); PubMed 31523542 (cited by 4 submitters); PubMed 32085570 (cited by Mayo Clinic Laboratories, Mayo Clinic); PubMed 32376792 (cited by 4 submitters); PubMed 32453099 (cited by Mayo Clinic Laboratories, Mayo Clinic and Women's Health and Genetics/Laboratory Corporation of America, LabCorp); PubMed 35509735 (cited by Mayo Clinic Laboratories, Mayo Clinic and Athena Diagnostics); PubMed 37091313 (cited by Practice for Gait Abnormalities, David Pomarino, Competency Network Toe Walking C/o Practice Pomarino).

NM_181882.3(PRX):c.3186G>T (p.Lys1062Asn)

Gene: PRX (periaxin; minus strand). Cytogenetic location: 19q13.2.
Variant type: single nucleotide variant.
Coding change: c.3186G>T on transcript NM_181882.3 (MANE Select); coding-DNA position 3186, G replaced by T.
Protein change: p.Lys1062Asn; replaces lysine 1062 with asparagine.
Molecular consequence: missense variant. On other transcripts: 3 prime UTR variant (1).
Genome position (GRCh38, 1-based): chr19:40,395,166, C>A on the plus strand (G>T on the coding strand, the complement: PRX is on the minus strand). VCF-style: chr19-40395166-C-A. GRCh37 (hg19) VCF-style: chr19-40901073-C-A.
Other names: c.*3391G>T (NM_020956.2); short protein forms K1062N.
Identifiers: ClinVar variation 245910 (VCV000245910.72), dbSNP rs139188673, ClinGen allele CA9443909.